The following is an entry in ClinVar:

NM_004304.5(ALK):c.1270A>G (p.Asn424Asp)

Gene: ALK (ALK receptor tyrosine kinase; minus strand). Cytogenetic location: 2p23.2.
Variant type: single nucleotide variant.
Coding change: c.1270A>G on transcript NM_004304.5 (MANE Select); coding-DNA position 1270, A replaced by G.
Protein change: p.Asn424Asp; replaces asparagine 424 with aspartic acid.
Molecular consequence: missense variant.
Genome position (GRCh38, 1-based): chr2:29,383,744, T>C on the plus strand (A>G on the coding strand, the complement: ALK is on the minus strand). VCF-style: chr2-29383744-T-C. GRCh37 (hg19) VCF-style: chr2-29606610-T-C.
Other names: short protein forms N424D.
Identifiers: ClinVar variation 575461 (VCV000575461.12), dbSNP rs771340984, ClinGen allele CA1594710.
Genomic context (GRCh38, chr2:29,383,744, plus strand): 5'-CTAACACAATAGGCTACCAAGGAGCGTGGGAAAGCCAGATTCAGATACCTTCACTGCAGT[T>C]CTTCAGGGCAAAGAAGTCCACTGCAGACAAGCTGCGGTTTCCACTGGAGATGTATTCCAG-3'
Protein context (NP_004295.2, residues 414-434): LSAVDFFALK[Asn424Asp]CSEGTSPGSK

ClinVar aggregate classification (germline): Uncertain significance. Review status: criteria provided, multiple submitters, no conflicts (2 of 4 stars). 3 submissions from 3 submitters: Uncertain significance (3). Last evaluated 2025-06-16.

Conditions:
Hereditary cancer-predisposing syndrome. Also called: Hereditary neoplastic syndrome; Tumor predisposition; Hereditary Cancer Syndrome; Neoplastic Syndromes, Hereditary. Identifiers: Orphanet 140162, MedGen C0027672, MeSH D009386, MONDO:0015356.
Neuroblastoma, susceptibility to, 3. Also called: ALK-Related Neuroblastic Tumor Susceptibility. Identifiers: Orphanet 635, MedGen C2751681, MONDO:0013083, OMIM 613014.

Allele frequency attached by ClinVar (database versions not stated): gnomAD exomes below 0.00001 and 0.00001; ExAC 0.00001; gnomAD 0.00003 and 0.00004; TOPMed 0.00005.
gnomAD v4.1: 8 of 1,613,992 alleles (0.0005%); highest among the groups gnomAD compares: African/African-American, 0.011%; no homozygotes.

Submissions (3):

Labcorp Genetics (formerly Invitae), Labcorp
Classification: Uncertain significance for Neuroblastoma, susceptibility to, 3. Last evaluated: 2025-06-16. Review status: criteria provided, single submitter. Criteria: Invitae Variant Classification Sherloc (09022015). Collection method: clinical testing. Allele origin: germline.
Comment: This sequence change replaces asparagine, which is neutral and polar, with aspartic acid, which is acidic and polar, at codon 424 of the ALK protein (p.Asn424Asp). This variant is present in population databases (rs771340984, gnomAD 0.01%). This variant has not been reported in the literature in individuals affected with ALK-related conditions. ClinVar contains an entry for this variant (Variation ID: 575461). An algorithm developed to predict the effect of missense changes on protein structure and function (PolyPhen-2) suggests that this variant is likely to be disruptive. In summary, the available evidence is currently insufficient to determine the role of this variant in disease. Therefore, it has been classified as a Variant of Uncertain Significance.

Ambry Genetics
Classification: Uncertain significance for Hereditary cancer-predisposing syndrome. Last evaluated: 2025-02-08. Review status: criteria provided, single submitter. Criteria: Ambry Variant Classification Scheme 2023. Collection method: clinical testing. Allele origin: germline.
Comment: The p.N424D variant (also known as c.1270A>G), located in coding exon 5 of the ALK gene, results from an A to G substitution at nucleotide position 1270. The asparagine at codon 424 is replaced by aspartic acid, an amino acid with highly similar properties. This amino acid position is conserved. In addition, this alteration is predicted to be tolerated by in silico analysis. Since supporting evidence is limited at this time, the clinical significance of this alteration remains unclear.

GeneDx
Classification: Uncertain significance. Last evaluated: 2022-08-02. Review status: criteria provided, single submitter. Criteria: GeneDx Variant Classification Process June 2021. Collection method: clinical testing. Allele origin: germline. Affected: yes.
Comment: Not observed at significant frequency in large population cohorts (gnomAD); In silico analysis supports that this missense variant does not alter protein structure/function; Has not been previously published as pathogenic or benign to our knowledge